The following is an entry in ClinVar:

NM_012471.3(TRPC5):c.1897-5C>T

Gene: TRPC5 (transient receptor potential cation channel subfamily C member 5; minus strand). Cytogenetic location: Xq23.
Variant type: single nucleotide variant.
Coding change: c.1897-5C>T on transcript NM_012471.3 (MANE Select); 5 bases into the intron before coding-DNA position 1897, C replaced by T.
Molecular consequence: intron variant.
Genome position (GRCh38, 1-based): chrX:111,782,143, G>A on the plus strand (C>T on the coding strand, the complement: TRPC5 is on the minus strand). VCF-style: chrX-111782143-G-A. GRCh37 (hg19) VCF-style: chrX-111025371-G-A.
Identifiers: ClinVar variation 3356700 (VCV003356700.1).
Genomic context (GRCh38, chrX:111,782,143, plus strand): 5'-AAGTAACTCATCCAGAGCTTCGTCCTTGCAAACTTCCACTCGATATCAGCATGATCCTAT[G>A]AAAGATAATGAAGTTCAAGGATTTGGGATGGGAAACTGCACGATGTACTCACTTCTTATT-3'

ClinVar aggregate classification (germline): Likely benign (0 of 4 stars; one submission).

Conditions:
TRPC5-related disorder. Also called: TRPC5-related condition.

gnomAD v4.1: 4 of 1,191,641 alleles (0.00034%); highest among the groups gnomAD compares: Non-Finnish European, 0.00034%; no homozygotes.

Submission:

PreventionGenetics, part of Exact Sciences
Classification: Likely benign for TRPC5-related condition. Last evaluated: 2023-06-13. Review status: no assertion criteria provided. Collection method: clinical testing. Allele origin: germline.
Comment: This variant is classified as likely benign based on ACMG/AMP sequence variant interpretation guidelines (Richards et al. 2015 PMID: 25741868, with internal and published modifications).